The following is an entry in ClinVar:

ClinVar aggregate classification (germline): Conflicting classifications of pathogenicity. Review status: criteria provided, conflicting classifications (1 of 4 stars). 3 submissions from 3 submitters: Uncertain significance (1); Likely benign (2). Last evaluated 2025-08-13.

Conditions:
Fanconi anemia (FA). Also called: Fanconi's anemia. Identifiers: Orphanet 84, MedGen C0015625, MeSH D005199, MONDO:0019391.

Allele frequency attached by ClinVar (database versions not stated): gnomAD 0.00001; gnomAD exomes 0.00002 and 0.00003; TOPMed 0.00002; ExAC 0.00004.
gnomAD v4.1: 36 of 1,608,502 alleles (0.0022%); highest among the groups gnomAD compares: South Asian, 0.0055%; no homozygotes.

Submissions (3):

Labcorp Genetics (formerly Invitae), Labcorp
Classification: Likely benign for Fanconi anemia. Last evaluated: 2025-08-13. Review status: criteria provided, single submitter. Criteria: Invitae Variant Classification Sherloc (09022015). Collection method: clinical testing. Allele origin: germline.

Blueprint Genetics
Classification: Likely benign. Last evaluated: 2024-10-16. Review status: criteria provided, single submitter. Criteria: ACMG Guidelines, 2015. Collection method: clinical testing. Allele origin: germline.

Sema4
Classification: Uncertain significance for Fanconi anemia. Last evaluated: 2021-11-17. Review status: criteria provided, single submitter. Criteria: Sema4 Curation Guidelines. Collection method: curation. Allele origin: germline.
Comment: The FANCA c.793-12C>G variant has not been reported in literature to our knowledge. This variant was observed in 2/30610 chromosomes in South Asian population according to the Genome Aggregation Database (PMID: 32461654). This variant has not been reported in ClinVar. In silico tools that predict the effect of sequence changes on splicing suggest that this variant may not impact splicing, though these predictions have not been confirmed by functional studies. Based on the available evidence, the variant was classified as a variant of uncertain significance.

NM_000135.4(FANCA):c.793-12C>G

Gene: FANCA (FA complementation group A; minus strand). Cytogenetic location: 16q24.3.
Variant type: single nucleotide variant.
Coding change: c.793-12C>G on transcript NM_000135.4 (MANE Select); 12 bases into the intron before coding-DNA position 793, C replaced by G.
Molecular consequence: intron variant.
Genome position (GRCh38, 1-based): chr16:89,799,650, G>C on the plus strand (C>G on the coding strand, the complement: FANCA is on the minus strand). VCF-style: chr16-89799650-G-C. GRCh37 (hg19) VCF-style: chr16-89866058-G-C.
Other names: c.793-12C>G (NM_001286167.3, NM_001018112.3); c.697-12C>G (NM_001351830.2).
Identifiers: ClinVar variation 1596240 (VCV001596240.10), dbSNP rs746312984, ClinGen allele CA8252776.